The following is an entry in ClinVar:

ClinVar aggregate classification (germline): Uncertain significance (1 of 4 stars; one submission).

gnomAD v4.1: 7 of 1,614,128 alleles (0.00043%); highest among the groups gnomAD compares: Non-Finnish European, 0.00051%; no homozygotes.

Submission:

Mayo Clinic Laboratories, Mayo Clinic
Classification: Uncertain significance. Last evaluated: 2023-11-03. Review status: criteria provided, single submitter. Criteria: ACMG Guidelines, 2015. Collection method: clinical testing. Allele origin: germline. Observed: 1 variant allele.
Comment: BP4, PM2

NM_139057.4(ADAMTS17):c.3260A>G (p.Lys1087Arg)

Gene: ADAMTS17 (ADAM metallopeptidase with thrombospondin type 1 motif 17; minus strand). Cytogenetic location: 15q26.3.
Variant type: single nucleotide variant.
Coding change: c.3260A>G on transcript NM_139057.4 (MANE Select); coding-DNA position 3260, A replaced by G.
Protein change: p.Lys1087Arg; replaces lysine 1087 with arginine.
Molecular consequence: missense variant.
Genome position (GRCh38, 1-based): chr15:99,974,430, T>C on the plus strand (A>G on the coding strand, the complement: ADAMTS17 is on the minus strand). VCF-style: chr15-99974430-T-C. GRCh37 (hg19) VCF-style: chr15-100514635-T-C.
Other names: p.Lys1087Arg; short protein forms K1087R.
Identifiers: ClinVar variation 3380333 (VCV003380333.1).